The following is an entry in ClinVar:

NM_001101.5(ACTB):c.943_945del (p.Lys315del)

Gene: ACTB (actin beta; minus strand). Cytogenetic location: 7p22.1.
Variant type: Deletion.
Coding change: c.943_945del on transcript NM_001101.5 (MANE Select); coding-DNA positions 943 to 945, 3 bases deleted (AAG; older notation c.943_945delAAG).
Protein change: p.Lys315del; deletes lysine 315.
Molecular consequence: inframe deletion.
Genome position (GRCh38, 1-based): chr7:5,528,043-5,528,045, CTT deleted on the plus strand (AAG on the coding strand, the reverse complement: ACTB is on the minus strand); deleting any 3 consecutive bases within chr7:5,528,043-5,528,047 gives the same sequence; the c. name uses the placement nearest the transcript's 3' end. VCF-style (leftmost placement, unchanged base first): chr7-5528042-CCTT-C. GRCh37 (hg19) VCF-style: chr7-5567673-CCTT-C.
Other names: c.943_945del (LRG_132t1); short protein forms K315del.
Identifiers: ClinVar variation 644089 (VCV000644089.10), dbSNP rs1584261482, ClinGen allele CA915944825.

ClinVar aggregate classification (germline): Uncertain significance (1 of 4 stars; one submission).

Conditions:
Baraitser-Winter syndrome 1 (BRWS1). Also called: Cerebrofrontofacial syndrome; BARAITSER-WINTER SYNDROME 1, ATYPICAL; PACHYGYRIA, MENTAL RETARDATION, EPILEPSY, AND CHARACTERISTIC FACIES; MENTAL RETARDATION WITH EPILEPSY AND CHARACTERISTIC FACIES. Identifiers: Orphanet 2649, Orphanet 2995, MedGen C1855722, MONDO:0009470, OMIM 243310.

Submission:

Labcorp Genetics (formerly Invitae), Labcorp
Classification: Uncertain significance for Baraitser-Winter syndrome 1. Last evaluated: 2022-02-04. Review status: criteria provided, single submitter. Criteria: Invitae Variant Classification Sherloc (09022015). Collection method: clinical testing. Allele origin: germline.
Comment: This variant, c.943_945del, results in the deletion of 1 amino acid(s) of the ACTB protein (p.Lys315del), but otherwise preserves the integrity of the reading frame. This variant is not present in population databases (gnomAD no frequency). This variant has not been reported in the literature in individuals affected with ACTB-related conditions. ClinVar contains an entry for this variant (Variation ID: 644089). Experimental studies and prediction algorithms are not available or were not evaluated, and the functional significance of this variant is currently unknown. In summary, the available evidence is currently insufficient to determine the role of this variant in disease. Therefore, it has been classified as a Variant of Uncertain Significance.